The following is an entry in ClinVar:

ClinVar aggregate classification (germline): Uncertain significance (1 of 4 stars; one submission).

Conditions:
Ullrich congenital muscular dystrophy 2 (UCMD2). Identifiers: Orphanet 75840, MedGen C4225314, MONDO:0014654, OMIM 616470.
Bethlem myopathy 2 (BTHLM2). Identifiers: Orphanet 536516, Orphanet 610, MedGen C4225313, MONDO:0034022, OMIM 616471.

Allele frequency attached by ClinVar (database versions not stated): TOPMed below 0.00001; gnomAD 0.00001.
gnomAD v4.1: 1 of 1,613,430 alleles (0.000062%); highest among the groups gnomAD compares: Non-Finnish European, 0.000085%; no homozygotes.

Submission:

Labcorp Genetics (formerly Invitae), Labcorp
Classification: Uncertain significance for Bethlem myopathy 2; Ullrich congenital muscular dystrophy 2. Last evaluated: 2024-02-07. Review status: criteria provided, single submitter. Criteria: Invitae Variant Classification Sherloc (09022015). Collection method: clinical testing. Allele origin: germline.
Comment: This sequence change replaces glutamic acid, which is acidic and polar, with aspartic acid, which is acidic and polar, at codon 1978 of the COL12A1 protein (p.Glu1978Asp). This variant is not present in population databases (gnomAD no frequency). This variant has not been reported in the literature in individuals affected with COL12A1-related conditions. Advanced modeling of protein sequence and biophysical properties (such as structural, functional, and spatial information, amino acid conservation, physicochemical variation, residue mobility, and thermodynamic stability) performed at Invitae indicates that this missense variant is not expected to disrupt COL12A1 protein function with a negative predictive value of 80%. In summary, the available evidence is currently insufficient to determine the role of this variant in disease. Therefore, it has been classified as a Variant of Uncertain Significance.

NM_004370.6(COL12A1):c.5934A>T (p.Glu1978Asp)

Gene: COL12A1 (collagen type XII alpha 1 chain; minus strand). Cytogenetic location: 6q13.
Variant type: single nucleotide variant.
Coding change: c.5934A>T on transcript NM_004370.6 (MANE Select); coding-DNA position 5934, A replaced by T.
Protein change: p.Glu1978Asp; replaces glutamic acid 1978 with aspartic acid.
Molecular consequence: missense variant.
Genome position (GRCh38, 1-based): chr6:75,131,943, T>A on the plus strand (A>T on the coding strand, the complement: COL12A1 is on the minus strand). VCF-style: chr6-75131943-T-A. GRCh37 (hg19) VCF-style: chr6-75841659-T-A.
Other names: c.5934A>T, p.Glu1978Asp (NM_001424113.1); c.5913A>T, p.Glu1971Asp (NM_001424114.1); c.5661A>T, p.Glu1887Asp (NM_001424115.1); c.2442A>T, p.Glu814Asp (NM_001424116.1, NM_080645.3); short protein forms E1887D, E814D, E1971D, E1978D.
Identifiers: ClinVar variation 2952499 (VCV002952499.3), dbSNP rs1294606581, ClinGen allele CA364732651.